The following is an entry in ClinVar:

NM_032578.4(MYPN):c.1577G>T (p.Ser526Ile)

Gene: MYPN (myopalladin; plus strand). Cytogenetic location: 10q21.3.
Variant type: single nucleotide variant.
Coding change: c.1577G>T on transcript NM_032578.4 (MANE Select); coding-DNA position 1577, G replaced by T.
Protein change: p.Ser526Ile; replaces serine 526 with isoleucine.
Molecular consequence: missense variant. On other transcripts: non-coding transcript variant (2).
Genome position (GRCh38, 1-based): chr10:68,165,795, G>T. VCF-style: chr10-68165795-G-T. GRCh37 (hg19) VCF-style: chr10-69925552-G-T.
Other names: c.1577G>T, p.Ser526Ile (NM_001256267.2); c.695G>T, p.Ser232Ile (NM_001256268.2); short protein forms S232I, S526I.
Identifiers: ClinVar variation 1490055 (VCV001490055.6), dbSNP rs2134165829, ClinGen allele CA376838426.

ClinVar aggregate classification (germline): Uncertain significance (1 of 4 stars; one submission).

Conditions:
Dilated cardiomyopathy 1KK (CMD1KK). Identifiers: Orphanet 154, Orphanet 75249, MedGen C3714995, MONDO:0014100, OMIM 615248.

Submission:

Labcorp Genetics (formerly Invitae), Labcorp
Classification: Uncertain significance for Dilated cardiomyopathy 1KK. Last evaluated: 2021-11-26. Review status: criteria provided, single submitter. Criteria: Invitae Variant Classification Sherloc (09022015). Collection method: clinical testing. Allele origin: germline.
Comment: In summary, the available evidence is currently insufficient to determine the role of this variant in disease. Therefore, it has been classified as a Variant of Uncertain Significance. Algorithms developed to predict the effect of missense changes on protein structure and function are either unavailable or do not agree on the potential impact of this missense change (SIFT: "Deleterious"; PolyPhen-2: "Probably Damaging"; Align-GVGD: "Class C15"). This variant has not been reported in the literature in individuals affected with MYPN-related conditions. This variant is not present in population databases (gnomAD no frequency). This sequence change replaces serine, which is neutral and polar, with isoleucine, which is neutral and non-polar, at codon 526 of the MYPN protein (p.Ser526Ile).